The following is an entry in ClinVar:

ClinVar aggregate classification (germline): Uncertain significance (1 of 4 stars; one submission).

Conditions:
SEMA3G-related disorder. Also called: SEMA3G-related condition.

Submission:

PreventionGenetics, part of Exact Sciences
Classification: Uncertain significance for SEMA3G-related condition. Last evaluated: 2026-08-11. Review status: criteria provided, single submitter. Criteria: ACMG Guidelines, 2015. Collection method: clinical testing. Allele origin: germline.
Comment: The SEMA3G c.886G>A variant is predicted to result in the amino acid substitution p.Val296Met. To our knowledge, this variant has not been reported in the literature or in a large population database (gnomAD), indicating this variant is rare. At this time, the clinical significance of this variant is uncertain due to the absence of conclusive functional and genetic evidence.

NM_020163.3(SEMA3G):c.886G>A (p.Val296Met)

Gene: SEMA3G (semaphorin 3G; minus strand). Cytogenetic location: 3p21.1.
Variant type: single nucleotide variant.
Coding change: c.886G>A on transcript NM_020163.3 (MANE Select); coding-DNA position 886, G replaced by A.
Protein change: p.Val296Met; replaces valine 296 with methionine.
Molecular consequence: missense variant.
Genome position (GRCh38, 1-based): chr3:52,440,976, C>T on the plus strand (G>A on the coding strand, the complement: SEMA3G is on the minus strand). VCF-style: chr3-52440976-C-T. GRCh37 (hg19) VCF-style: chr3-52474992-C-T.
Other names: short protein forms V296M.
Identifiers: ClinVar variation 4995864 (VCV004995864.1).